The following is an entry in ClinVar:

NM_005476.7(GNE):c.1345A>G (p.Ile449Val)

Gene: GNE (glucosamine (UDP-N-acetyl)-2-epimerase/N-acetylmannosamine kinase; minus strand). Cytogenetic location: 9p13.3.
Variant type: single nucleotide variant.
Coding change: c.1345A>G on transcript NM_005476.7 (MANE Select); coding-DNA position 1345, A replaced by G.
Protein change: p.Ile449Val; replaces isoleucine 449 with valine.
Molecular consequence: missense variant.
Genome position (GRCh38, 1-based): chr9:36,223,439, T>C on the plus strand (A>G on the coding strand, the complement: GNE is on the minus strand). VCF-style: chr9-36223439-T-C. GRCh37 (hg19) VCF-style: chr9-36223436-T-C.
Other names: c.1438A>G, p.Ile480Val (NM_001128227.3); c.1345A>G, p.Ile449Val (NM_001190383.3); c.1015A>G, p.Ile339Val (NM_001190384.3); c.1168A>G, p.Ile390Val (NM_001190388.2, NM_001374798.1); c.1192A>G, p.Ile398Val (NM_001374797.1); short protein forms I339V, I390V, I398V, I449V, I480V.
Identifiers: ClinVar variation 3761313 (VCV003761313.2).

ClinVar aggregate classification (germline): Uncertain significance (1 of 4 stars; one submission).

Conditions:
Sialuria. Also called: SIALURIA, FRENCH TYPE; Sialic Acid Storage Disease. Identifiers: Orphanet 3166, MedGen C0342853, MONDO:0010028, OMIM 269921.
GNE myopathy (NM). Also called: INCLUSION BODY MYOPATHY, HEREDITARY, AUTOSOMAL RECESSIVE; INCLUSION BODY MYOPATHY 2, AUTOSOMAL RECESSIVE; MYOPATHY, DISTAL, WITH OR WITHOUT RIMMED VACUOLES; NONAKA DISTAL MYOPATHY; IBM 2; Inclusion body myopathy autosomal recessive. Identifiers: Orphanet 602, MedGen C1853926, MONDO:0011603, OMIM 605820.

gnomAD v4.1: 3 of 1,611,702 alleles (0.00019%); highest among the groups gnomAD compares: African/African-American, 0.004%; no homozygotes.

Submission:

Labcorp Genetics (formerly Invitae), Labcorp
Classification: Uncertain significance for Sialuria; GNE myopathy. Last evaluated: 2024-02-14. Review status: criteria provided, single submitter. Criteria: Invitae Variant Classification Sherloc (09022015). Collection method: clinical testing. Allele origin: germline.
Comment: This sequence change replaces isoleucine, which is neutral and non-polar, with valine, which is neutral and non-polar, at codon 480 of the GNE protein (p.Ile480Val). This variant is present in population databases (rs377660887, gnomAD 0.02%). This variant has not been reported in the literature in individuals affected with GNE-related conditions. Advanced modeling of protein sequence and biophysical properties (such as structural, functional, and spatial information, amino acid conservation, physicochemical variation, residue mobility, and thermodynamic stability) has been performed at Invitae for this missense variant, however the output from this modeling did not meet the statistical confidence thresholds required to predict the impact of this variant on GNE protein function. In summary, the available evidence is currently insufficient to determine the role of this variant in disease. Therefore, it has been classified as a Variant of Uncertain Significance.